The following is an entry in ClinVar:

NM_133510.4(RAD51B):c.542G>A (p.Arg181Gln)

Gene: RAD51B (RAD51 paralog B; plus strand). Cytogenetic location: 14q24.1.
Variant type: single nucleotide variant.
Coding change: c.542G>A on transcript NM_133510.4 (MANE Select); coding-DNA position 542, G replaced by A.
Protein change: p.Arg181Gln; replaces arginine 181 with glutamine.
Molecular consequence: missense variant.
Genome position (GRCh38, 1-based): chr14:67,885,958, G>A. VCF-style: chr14-67885958-G-A. GRCh37 (hg19) VCF-style: chr14-68352675-G-A.
Other names: c.542G>A, p.Arg181Gln (NM_001321809.2, NM_001321810.2, NM_001321812.1 and 6 more transcripts); c.428G>A, p.Arg143Gln (NM_001321815.1); c.185G>A, p.Arg62Gln (NM_001321817.2); short protein forms R143Q, R181Q, R62Q.
Identifiers: ClinVar variation 3429653 (VCV003429653.1).

ClinVar aggregate classification (germline): Uncertain significance (1 of 4 stars; one submission).

gnomAD v4.1: 12 of 1,604,660 alleles (0.00075%); highest among the groups gnomAD compares: African/African-American, 0.0013%; no homozygotes.

Submission:

Ambry Genetics
Classification: Uncertain significance. Last evaluated: 2024-11-26. Review status: criteria provided, single submitter. Criteria: Ambry Variant Classification Scheme 2023. Collection method: clinical testing. Allele origin: germline.
Comment: The p.R181Q variant (also known as c.542G>A), located in coding exon 5 of the RAD51B gene, results from a G to A substitution at nucleotide position 542. The arginine at codon 181 is replaced by glutamine, an amino acid with highly similar properties. This amino acid position is conserved. In addition, this alteration is predicted to be tolerated by in silico analysis. Based on the available evidence, the clinical significance of this variant remains unclear.